The following is an entry in ClinVar:

ClinVar aggregate classification (germline): Likely benign. Review status: criteria provided, multiple submitters, no conflicts (2 of 4 stars). 2 submissions from 2 submitters: Likely benign (2). Last evaluated 2023-06-27.

Conditions:
Progressive sclerosing poliodystrophy (MTDPS4A). Also called: ALPERS PROGRESSIVE INFANTILE POLIODYSTROPHY; NEURONAL DEGENERATION OF CHILDHOOD WITH LIVER DISEASE, PROGRESSIVE; Alpers-Huttenlocher Syndrome (AHS); Alpers Syndrome; Mitochondrial DNA Depletion Syndrome 4A; ALPERS DIFFUSE DEGENERATION OF CEREBRAL GRAY MATTER WITH HEPATIC CIRRHOSIS. Identifiers: Orphanet 726, MedGen C0205710, MONDO:0008758, OMIM 203700.

Allele frequency attached by ClinVar (database versions not stated): gnomAD exomes below 0.00001 and 0.00001.
gnomAD v4.1: 4 of 1,613,588 alleles (0.00025%); highest among the groups gnomAD compares: East Asian, 0.0022%; no homozygotes.

Submissions (2):

Labcorp Genetics (formerly Invitae), Labcorp
Classification: Likely benign for Progressive sclerosing poliodystrophy. Last evaluated: 2023-06-27. Review status: criteria provided, single submitter. Criteria: Invitae Variant Classification Sherloc (09022015). Collection method: clinical testing. Allele origin: germline.

GeneDx
Classification: Likely benign. Last evaluated: 2017-07-17. Review status: criteria provided, single submitter. Criteria: GeneDx Variant Classification (06012015). Collection method: clinical testing. Allele origin: germline. Affected: yes.
Comment: This variant is considered likely benign or benign based on one or more of the following criteria: it is a conservative change, it occurs at a poorly conserved position in the protein, it is predicted to be benign by multiple in silico algorithms, and/or has population frequency not consistent with disease.

NM_002693.3(POLG):c.723G>A (p.Pro241=)

Genes: POLG (DNA polymerase gamma, catalytic subunit; minus strand), POLGARF (POLG alternative reading frame; minus strand). Cytogenetic location: 15q26.1.
Variant type: single nucleotide variant.
Coding change: c.723G>A on transcript NM_002693.3 (MANE Select); coding-DNA position 723, G replaced by A.
Protein change: p.Pro241=; no amino-acid change (proline 241 retained).
Molecular consequence: synonymous variant.
Genome position (GRCh38, 1-based): chr15:89,330,213, C>T on the plus strand (G>A on the coding strand, the complement: POLG is on the minus strand). VCF-style: chr15-89330213-C-T. GRCh37 (hg19) VCF-style: chr15-89873444-C-T.
Other names: c.723G>A, p.Pro241= (NM_001126131.2).
Identifiers: ClinVar variation 387649 (VCV000387649.4), dbSNP rs1057522857, ClinGen allele CA16607075.
Genomic context (GRCh38, chr15:89,330,213, plus strand): 5'-CCAGTCTCTCTGGGTGGGGCTGCTGGCACCAGTAGGGACCTCCAGGGGGATGAGGTCAGC[C>T]GGCGACAGCTGGCTGGTCCAAGAGTAACGCTCTTCCACCAGCCGCTGGCTGCACCAGGAA-3'
Protein context (NP_002684.1, residues 231-251): ERYSWTSQLS[Pro241=]ADLIPLEVPT